The following is an entry in ClinVar:

NM_001605.3(AARS1):c.2008G>C (p.Asp670His)

Gene: AARS1 (alanyl-tRNA synthetase 1; minus strand). Cytogenetic location: 16q22.1.
Variant type: single nucleotide variant.
Coding change: c.2008G>C on transcript NM_001605.3 (MANE Select); coding-DNA position 2008, G replaced by C.
Protein change: p.Asp670His; replaces aspartic acid 670 with histidine.
Molecular consequence: missense variant.
Genome position (GRCh38, 1-based): chr16:70,258,202, C>G on the plus strand (G>C on the coding strand, the complement: AARS1 is on the minus strand). VCF-style: chr16-70258202-C-G. GRCh37 (hg19) VCF-style: chr16-70292105-C-G.
Other names: short protein forms D670H.
Identifiers: ClinVar variation 2706019 (VCV002706019.3), dbSNP rs2506996427, ClinGen allele CA396557843.

ClinVar aggregate classification (germline): Uncertain significance (1 of 4 stars; one submission).

Conditions:
Charcot-Marie-Tooth disease type 2. Also called: Charcot-Marie-Tooth type 2. Identifiers: Orphanet 64746, MedGen C0270914, MONDO:0018993.

Submission:

Labcorp Genetics (formerly Invitae), Labcorp
Classification: Uncertain significance for Charcot-Marie-Tooth disease type 2. Last evaluated: 2024-01-05. Review status: criteria provided, single submitter. Criteria: Invitae Variant Classification Sherloc (09022015). Collection method: clinical testing. Allele origin: germline.
Comment: This sequence change replaces aspartic acid, which is acidic and polar, with histidine, which is basic and polar, at codon 670 of the AARS protein (p.Asp670His). This variant is not present in population databases (gnomAD no frequency). This variant has not been reported in the literature in individuals affected with AARS-related conditions. Advanced modeling of protein sequence and biophysical properties (such as structural, functional, and spatial information, amino acid conservation, physicochemical variation, residue mobility, and thermodynamic stability) performed at Invitae indicates that this missense variant is not expected to disrupt AARS protein function with a negative predictive value of 95%. In summary, the available evidence is currently insufficient to determine the role of this variant in disease. Therefore, it has been classified as a Variant of Uncertain Significance.